The following is an entry in ClinVar:

NM_000222.3(KIT):c.1036C>G (p.Gln346Glu)

Gene: KIT (KIT proto-oncogene, receptor tyrosine kinase; plus strand). Cytogenetic location: 4q12.
Variant type: single nucleotide variant.
Coding change: c.1036C>G on transcript NM_000222.3 (MANE Select); coding-DNA position 1036, C replaced by G.
Protein change: p.Gln346Glu; replaces glutamine 346 with glutamic acid.
Molecular consequence: missense variant.
Genome position (GRCh38, 1-based): chr4:54,707,208, C>G. VCF-style: chr4-54707208-C-G. GRCh37 (hg19) VCF-style: chr4-55573374-C-G.
Other names: c.1036C>G, p.Gln346Glu (NM_001093772.2, NM_001385285.1, NM_001385286.1); c.1039C>G, p.Gln347Glu (NM_001385284.1, NM_001385288.1, NM_001385290.1 and 1 more transcripts); short protein forms Q346E, Q347E.
Identifiers: ClinVar variation 409749 (VCV000409749.18), dbSNP rs1060502555, ClinGen allele CA16611592.

ClinVar aggregate classification (germline): Uncertain significance. Review status: criteria provided, multiple submitters, no conflicts (2 of 4 stars). 5 submissions from 5 submitters: Uncertain significance (5). Last evaluated 2026-07-20.

Conditions:
KIT-related disorder. Also called: KIT-related condition.
Hereditary cancer-predisposing syndrome. Also called: Neoplastic Syndromes, Hereditary; Tumor predisposition; Hereditary Cancer Syndrome; Hereditary neoplastic syndrome. Identifiers: Orphanet 140162, MedGen C0027672, MeSH D009386, MONDO:0015356.
Gastrointestinal stromal tumor. Also called: Gastrointestinal stroma tumor; Gastrointestinal stromal tumor, somatic. Identifiers: Orphanet 44890, MedGen C0238198, MeSH D046152, MONDO:0011719, OMIM 606764, HP:0100723.

Allele frequency attached by ClinVar (database versions not stated): gnomAD 0.00002; TOPMed 0.00006.
gnomAD v4.1: 10 of 1,610,164 alleles (0.00062%); highest among the groups gnomAD compares: Non-Finnish European, 0.00085%; no homozygotes.

Submissions (5):

PreventionGenetics, part of Exact Sciences
Classification: Uncertain significance for KIT-related condition. Last evaluated: 2026-07-20. Review status: criteria provided, single submitter. Criteria: ACMG Guidelines, 2015. Collection method: clinical testing. Allele origin: germline.
Comment: The KIT c.1036C>G variant is predicted to result in the amino acid substitution p.Gln346Glu. To our knowledge, this variant has not been reported in the literature. This variant is reported in 0.0065% of alleles in individuals of European (Non-Finnish) descent in gnomAD and is classified as uncertain in the ClinVar database (Variation ID: 409749). At this time, the clinical significance of this variant is uncertain due to the absence of conclusive functional and genetic evidence.

Labcorp Genetics (formerly Invitae), Labcorp
Classification: Uncertain significance for Gastrointestinal stromal tumor. Last evaluated: 2026-02-03. Review status: criteria provided, single submitter. Criteria: Invitae Variant Classification Sherloc (09022015). Collection method: clinical testing. Allele origin: germline.
Comment: This sequence change replaces glutamine, which is neutral and polar, with glutamic acid, which is acidic and polar, at codon 346 of the KIT protein (p.Gln346Glu). This variant is present in population databases (no rsID available, gnomAD 0.007%). This variant has not been reported in the literature in individuals affected with KIT-related conditions. ClinVar contains an entry for this variant (Variation ID: 409749). An algorithm developed to predict the effect of missense changes on protein structure and function (PolyPhen-2) suggests that this variant is likely to be tolerated. In summary, the available evidence is currently insufficient to determine the role of this variant in disease. Therefore, it has been classified as a Variant of Uncertain Significance.

Ambry Genetics
Classification: Uncertain significance for Hereditary cancer-predisposing syndrome. Last evaluated: 2025-05-20. Review status: criteria provided, single submitter. Criteria: Ambry Variant Classification Scheme 2023. Collection method: clinical testing. Allele origin: germline.

Baylor Genetics
Classification: Uncertain significance for Gastrointestinal stromal tumor. Last evaluated: 2024-02-18. Review status: criteria provided, single submitter. Criteria: ACMG Guidelines, 2015. Collection method: clinical testing. Allele origin: unknown.

GeneDx
Classification: Uncertain significance. Last evaluated: 2023-01-09. Review status: criteria provided, single submitter. Criteria: GeneDx Variant Classification Process June 2021. Collection method: clinical testing. Allele origin: germline. Affected: yes.
Comment: Not observed at significant frequency in large population cohorts (gnomAD); In silico analysis supports that this missense variant does not alter protein structure/function; Has not been previously published as pathogenic or benign to our knowledge; This variant is associated with the following publications: (PMID: 30019023)